The following is an entry in ClinVar:

ClinVar aggregate classification (germline): Uncertain significance (1 of 4 stars; one submission).

Allele frequency attached by ClinVar (database versions not stated): ExAC 0.00001; gnomAD 0.00001; TOPMed 0.00001.
gnomAD v4.1: 2 of 1,605,110 alleles (0.00012%); highest among the groups gnomAD compares: African/African-American, 0.0027%; no homozygotes.

Submission:

Ambry Genetics
Classification: Uncertain significance. Last evaluated: 2024-03-19. Review status: criteria provided, single submitter. Criteria: Ambry Variant Classification Scheme 2023. Collection method: clinical testing. Allele origin: germline.
Comment: The p.P1001A variant (also known as c.3001C>G), located in coding exon 15 of the NPAT gene, results from a C to G substitution at nucleotide position 3001. The proline at codon 1001 is replaced by alanine, an amino acid with highly similar properties. This amino acid position is conserved. In addition, this alteration is predicted to be tolerated by in silico analysis. Since supporting evidence is limited at this time, the clinical significance of this alteration remains unclear.

NM_002519.3(NPAT):c.3001C>G (p.Pro1001Ala)

Gene: NPAT (nuclear protein, coactivator of histone transcription; minus strand). Cytogenetic location: 11q22.3.
Variant type: single nucleotide variant.
Coding change: c.3001C>G on transcript NM_002519.3 (MANE Select); coding-DNA position 3001, C replaced by G.
Protein change: p.Pro1001Ala; replaces proline 1001 with alanine.
Molecular consequence: missense variant.
Genome position (GRCh38, 1-based): chr11:108,169,753, G>C on the plus strand (C>G on the coding strand, the complement: NPAT is on the minus strand). VCF-style: chr11-108169753-G-C. GRCh37 (hg19) VCF-style: chr11-108040480-G-C.
Other names: c.3001C>G, p.Pro1001Ala (NM_001321307.1); short protein forms P1001A.
Identifiers: ClinVar variation 1798703 (VCV001798703.2), dbSNP rs778112784, ClinGen allele CA6263688.